The following is an entry in ClinVar:

NM_001160148.2(DDHD1):c.1646G>A (p.Gly549Asp)

Gene: DDHD1 (DDHD domain containing 1; minus strand). Cytogenetic location: 14q22.1.
Variant type: single nucleotide variant.
Coding change: c.1646G>A on transcript NM_001160148.2 (MANE Select); coding-DNA position 1646, G replaced by A.
Protein change: p.Gly549Asp; replaces glycine 549 with aspartic acid.
Molecular consequence: missense variant.
Genome position (GRCh38, 1-based): chr14:53,063,063, C>T on the plus strand (G>A on the coding strand, the complement: DDHD1 is on the minus strand). VCF-style: chr14-53063063-C-T. GRCh37 (hg19) VCF-style: chr14-53529781-C-T.
Other names: c.1667G>A, p.Gly556Asp (NM_001160147.2); c.1646G>A, p.Gly549Asp (NM_030637.3); c.1667G>A (NM_001160147.1); short protein forms G556D, G549D.
Identifiers: ClinVar variation 2374802 (VCV002374802.3), dbSNP rs746217229, ClinGen allele CA7191188.

ClinVar aggregate classification (germline): Uncertain significance. Review status: criteria provided, multiple submitters, no conflicts (2 of 4 stars). 2 submissions from 2 submitters: Uncertain significance (2). Last evaluated 2024-03-26.

Conditions:
Inborn genetic diseases. Identifiers: MedGen C0950123, MeSH D030342.

Allele frequency attached by ClinVar (database versions not stated): gnomAD 0.00001; TOPMed 0.00003; gnomAD exomes 0.00006; ExAC 0.00008.
gnomAD v4.1: 35 of 1,613,974 alleles (0.0022%); highest among the groups gnomAD compares: Admixed American, 0.048%; no homozygotes.

Submissions (2):

GeneDx
Classification: Uncertain significance. Last evaluated: 2024-03-26. Review status: criteria provided, single submitter. Criteria: GeneDx Variant Classification Process June 2021. Collection method: clinical testing. Allele origin: germline. Affected: yes.
Comment: In silico analysis supports that this missense variant has a deleterious effect on protein structure/function; Has not been previously published as pathogenic or benign to our knowledge

Ambry Genetics
Classification: Uncertain significance for Inborn genetic diseases. Last evaluated: 2021-08-17. Review status: criteria provided, single submitter. Criteria: Ambry Variant Classification Scheme 2023. Collection method: clinical testing. Allele origin: germline.